The following is an entry in ClinVar:

ClinVar aggregate classification (germline): Likely benign (1 of 4 stars; one submission).

Submission:

CeGaT Center for Human Genetics Tuebingen
Classification: Likely benign. Last evaluated: 2026-07-01. Review status: criteria provided, single submitter. Criteria: CeGaT Center For Human Genetics Tuebingen Variant Classification Criteria Version 2. Collection method: clinical testing. Allele origin: germline. Affected: yes. Observed: 1 variant allele.
Comment: MUC4: BP4, BP7

NM_018406.7(MUC4):c.10833A>C (p.Thr3611=)

Gene: MUC4 (mucin 4, cell surface associated). Cytogenetic location: 3q29.
Variant type: single nucleotide variant.
Coding change: c.10833A>C on transcript NM_018406.7 (MANE Select); coding-DNA position 10833, A replaced by C.
Protein change: p.Thr3611=; no amino-acid change (threonine 3611 retained).
Molecular consequence: synonymous variant. On other transcripts: intron variant (2).
Genome position (GRCh38, 1-based): chr3:195,780,747, T>G on the plus strand (A>C on the coding strand, the complement: MUC4 is on the minus strand). VCF-style: chr3-195780747-T-G. GRCh37 (hg19) VCF-style: chr3-195507618-T-G.
Other names: c.83-6442A>C (NM_138297.5); c.83-2292A>C (NM_004532.6).
Identifiers: ClinVar variation 5039083 (VCV005039083.1).